The following is an entry in ClinVar:

ClinVar aggregate classification (germline): Uncertain significance (1 of 4 stars; one submission).

Submission:

Labcorp Genetics (formerly Invitae), Labcorp
Classification: Uncertain significance. Last evaluated: 2021-12-17. Review status: criteria provided, single submitter. Criteria: Invitae Variant Classification Sherloc (09022015). Collection method: clinical testing. Allele origin: germline.
Comment: In summary, the available evidence is currently insufficient to determine the role of this variant in disease. Therefore, it has been classified as a Variant of Uncertain Significance. This variant has not been reported in the literature in individuals affected with LIG1-related conditions. This variant is a gross deletion of the genomic region encompassing exon(s) 17-21 of the LIG1 gene. This deletion is out-of-frame, and is expected to create a premature translational stop signal and result in an absent or disrupted protein product. However, the current clinical and genetic evidence is not sufficient to establish whether loss-of-function variants in LIG1 cause disease.

NC_000019.9:g.(?_48630514)_(48637343_?)del

Gene: LIG1 (DNA ligase 1; minus strand). Cytogenetic location: 19q13.33.
Variant type: Deletion.
Identifiers: ClinVar variation 2422618 (VCV002422618.4).